The following is an entry in ClinVar:

ClinVar aggregate classification (germline): Uncertain significance (1 of 4 stars; one submission).

Allele frequency attached by ClinVar (database versions not stated): gnomAD exomes below 0.00001; gnomAD 0.00001; TOPMed 0.00001.
gnomAD v4.1: 3 of 1,614,010 alleles (0.00019%); highest among the groups gnomAD compares: Non-Finnish European, 0.00025%; no homozygotes.

Submission:

Labcorp Genetics (formerly Invitae), Labcorp
Classification: Uncertain significance. Last evaluated: 2022-03-23. Review status: criteria provided, single submitter. Criteria: Invitae Variant Classification Sherloc (09022015). Collection method: clinical testing. Allele origin: germline.
Comment: This sequence change replaces proline, which is neutral and non-polar, with leucine, which is neutral and non-polar, at codon 741 of the CAD protein (p.Pro741Leu). This variant is not present in population databases (gnomAD no frequency). This variant has not been reported in the literature in individuals affected with CAD-related conditions. Algorithms developed to predict the effect of missense changes on protein structure and function are either unavailable or do not agree on the potential impact of this missense change (SIFT: "Deleterious"; PolyPhen-2: "Possibly Damaging"; Align-GVGD: "Class C0"). In summary, the available evidence is currently insufficient to determine the role of this variant in disease. Therefore, it has been classified as a Variant of Uncertain Significance.

NM_004341.5(CAD):c.2222C>T (p.Pro741Leu)

Gene: CAD (carbamoyl-phosphate synthetase 2, aspartate transcarbamylase, and dihydroorotase; plus strand). Cytogenetic location: 2p23.3.
Variant type: single nucleotide variant.
Coding change: c.2222C>T on transcript NM_004341.5 (MANE Select); coding-DNA position 2222, C replaced by T.
Protein change: p.Pro741Leu; replaces proline 741 with leucine.
Molecular consequence: missense variant.
Genome position (GRCh38, 1-based): chr2:27,226,897, C>T. VCF-style: chr2-27226897-C-T. GRCh37 (hg19) VCF-style: chr2-27449765-C-T.
Other names: c.2033C>T, p.Pro678Leu (NM_001306079.2); short protein forms P678L, P741L.
Identifiers: ClinVar variation 2116147 (VCV002116147.1), dbSNP rs1321115692, ClinGen allele CA346208510.